The following is an entry in ClinVar:

ClinVar aggregate classification (germline): Pathogenic (0 of 4 stars; one submission).

Conditions:
Fanconi anemia complementation group A (FANCA). Also called: Fanconi anemia, group A; FANCA-Related Fanconi Anemia. Identifiers: Orphanet 84, MedGen C3469521, MONDO:0009215, OMIM 227650.

Allele frequency attached by ClinVar (database versions not stated): gnomAD exomes below 0.00001.
gnomAD v4.1: 2 of 1,508,854 alleles (0.00013%); highest among the groups gnomAD compares: Non-Finnish European, 0.00018%; no homozygotes.

Submission:

Leiden Open Variation Database
Classification: Pathogenic for Fanconi anemia complementation group A. Last evaluated: 2020-02-28. Review status: no assertion criteria provided. Collection method: curation. Allele origin: germline. Affected: yes.
Comment: Curator: Arleen D. Auerbach. Submitter to LOVD: Arleen D. Auerbach.

NM_000135.4(FANCA):c.66G>A (p.Trp22Ter)

Genes: FANCA (FA complementation group A; minus strand), LOC112486223 (Sharpr-MPRA regulatory region 3988; plus strand). Cytogenetic location: 16q24.3.
Variant type: single nucleotide variant.
Coding change: c.66G>A on transcript NM_000135.4 (MANE Select); coding-DNA position 66, G replaced by A.
Protein change: p.Trp22Ter; replaces tryptophan 22 with a stop codon.
Molecular consequence: nonsense.
Genome position (GRCh38, 1-based): chr16:89,816,550, C>T on the plus strand (G>A on the coding strand, the complement: FANCA is on the minus strand). VCF-style: chr16-89816550-C-T. GRCh37 (hg19) VCF-style: chr16-89882958-C-T.
Other names: c.66G>A, p.Trp22Ter (NM_001018112.3, NM_001286167.3, NM_001351830.2); short protein forms W22*.
Identifiers: ClinVar variation 974278 (VCV000974278.1), dbSNP rs2041138210, ClinGen allele CA397484425.